The following is an entry in ClinVar:

NM_001271.4(CHD2):c.4876C>T (p.His1626Tyr)

Gene: CHD2 (chromodomain helicase DNA binding protein 2; plus strand). Cytogenetic location: 15q26.1.
Variant type: single nucleotide variant.
Coding change: c.4876C>T on transcript NM_001271.4 (MANE Select); coding-DNA position 4876, C replaced by T.
Protein change: p.His1626Tyr; replaces histidine 1626 with tyrosine.
Molecular consequence: missense variant.
Genome position (GRCh38, 1-based): chr15:93,014,879, C>T. VCF-style: chr15-93014879-C-T. GRCh37 (hg19) VCF-style: chr15-93558109-C-T.
Other names: short protein forms H1626Y.
Identifiers: ClinVar variation 2185247 (VCV002185247.4), dbSNP rs2054438113, ClinGen allele CA393906889.
Genomic context (GRCh38, chr15:93,014,879, plus strand): 5'-CCTCATTTGCCTGCCTCCCATGGCCCACAGATGCATGGACACCCAAGAGATAACTACAAT[C>T]ACCCCAACAAGAGACACTTCAGTAATGCAGGTAGGTCATTAAGTGGAGTTTTTAAAAGAG-3'
Protein context (NP_001262.3, residues 1616-1636): MHGHPRDNYN[His1626Tyr]PNKRHFSNAD

ClinVar aggregate classification (germline): Uncertain significance (1 of 4 stars; one submission).

Conditions:
Developmental and epileptic encephalopathy 94 (DEE94). Also called: CHD2-Related Neurodevelopmental Disorders; Epileptic encephalopathy, childhood-onset. Identifiers: Orphanet 1942, Orphanet 2382, MedGen C3809278, MONDO:0014150, OMIM 615369.

Submission:

Labcorp Genetics (formerly Invitae), Labcorp
Classification: Uncertain significance for Developmental and epileptic encephalopathy 94. Last evaluated: 2022-03-13. Review status: criteria provided, single submitter. Criteria: Invitae Variant Classification Sherloc (09022015). Collection method: clinical testing. Allele origin: germline.
Comment: This sequence change replaces histidine, which is basic and polar, with tyrosine, which is neutral and polar, at codon 1626 of the CHD2 protein (p.His1626Tyr). This variant is not present in population databases (gnomAD no frequency). This variant has not been reported in the literature in individuals affected with CHD2-related conditions. Advanced modeling of protein sequence and biophysical properties (such as structural, functional, and spatial information, amino acid conservation, physicochemical variation, residue mobility, and thermodynamic stability) performed at Invitae indicates that this missense variant is not expected to disrupt CHD2 protein function. In summary, the available evidence is currently insufficient to determine the role of this variant in disease. Therefore, it has been classified as a Variant of Uncertain Significance.